The following is an entry in ClinVar:

ClinVar aggregate classification (germline): drug response (1 of 4 stars; one submission).

Conditions:
Tyrosine kinase inhibitor response. Also called: Protein-tyrosine kinase inhibitor response. Identifiers: MedGen CN225347.

Submission:

Laboratory for Molecular Medicine, Mass General Brigham Personalized Medicine
Classification: drug response for Tyrosine kinase inhibitor response. Last evaluated: 2012-04-04. Review status: criteria provided, single submitter. Criteria: LMM Criteria. Collection method: clinical testing. Allele origin: somatic. Observed: 1 variant allele.
Comment: The 2237_2246delinsC variant in exon 19 of EGFR has not been previously reported in the literature or identified by our laboratory. This variant results in an in-frame deletion and insertion and is located in the protein kinase domain of EGFR. In-frame deletions in the kinase domain of EGFR have been shown to correlate with responsiveness to tyrosine-kinase inhibitor (TKI, Paez 2004, Lynch 2004).

NM_005228.5(EGFR):c.2237_2246delinsC (p.Glu746_Glu749delinsAla)

Gene: EGFR (epidermal growth factor receptor; plus strand). Cytogenetic location: 7p11.2.
Variant type: Indel.
Coding change: c.2237_2246delinsC on transcript NM_005228.5 (MANE Select); coding-DNA positions 2237 to 2246, AATTAAGAGA replaced by C.
Protein change: p.Glu746_Glu749delinsAla.
Molecular consequence: inframe indel.
Genome position (GRCh38, 1-based): chr7:55,174,774-55,174,783, AATTAAGAGA replaced by C. VCF-style: chr7-55174774-AATTAAGAGA-C. GRCh37 (hg19) VCF-style: chr7-55242467-AATTAAGAGA-C.
Other names: c.2102_2111delinsC, p.Glu701_Glu704delinsAla (NM_001346897.2, NM_001346899.2); c.2237_2246delinsC, p.Glu746_Glu749delinsAla (NM_001346898.2); c.2078_2087delinsC, p.Glu693_Glu696delinsAla (NM_001346900.2); c.1436_1445delinsC, p.Glu479_Glu482delinsAla (NM_001346941.2).
Identifiers: ClinVar variation 178284 (VCV000178284.4), dbSNP rs727504444, ClinGen allele CA182031.
Genomic context (GRCh38, chr7:55,174,774, plus strand): 5'-TGTCATAGGGACTCTGGATCCCAGAAGGTGAGAAAGTTAAAATTCCCGTCGCTATCAAGG[AATTAAGAGA>C]AGCAACATCTCCGAAAGCCAACAAGGAAATCCTCGATGTGAGTTTCTGCTTTGCTGTGTG-3'